The following is an entry in ClinVar:

NM_005589.4(ALDH6A1):c.187-1G>A

Genes: ALDH6A1 (aldehyde dehydrogenase 6 family member A1; minus strand), BBOF1 (basal body orientation factor 1; plus strand). Cytogenetic location: 14q24.3.
Variant type: single nucleotide variant.
Coding change: c.187-1G>A on transcript NM_005589.4 (MANE Select); the canonical splice acceptor site of the intron before coding-DNA position 187, G replaced by A.
Molecular consequence: splice acceptor variant.
Genome position (GRCh38, 1-based): chr14:74,072,365, C>T on the plus strand (G>A on the coding strand, the complement: ALDH6A1 is on the minus strand). VCF-style: chr14-74072365-C-T. GRCh37 (hg19) VCF-style: chr14-74539068-C-T.
Other names: c.187-1G>A (NM_001278593.2); c.-439-1G>A (NM_001278594.2).
Identifiers: ClinVar variation 1942807 (VCV001942807.5), dbSNP rs2504614904, ClinGen allele CA390373447.

ClinVar aggregate classification (germline): Uncertain significance (1 of 4 stars; one submission).

Allele frequency attached by ClinVar (database versions not stated): gnomAD exomes below 0.00001.
gnomAD v4.1: 2 of 1,614,150 alleles (0.00012%); highest among the groups gnomAD compares: Non-Finnish European, 0.00017%; no homozygotes.

Submission:

Labcorp Genetics (formerly Invitae), Labcorp
Classification: Uncertain significance. Last evaluated: 2022-08-16. Review status: criteria provided, single submitter. Criteria: Invitae Variant Classification Sherloc (09022015). Collection method: clinical testing. Allele origin: germline.
Comment: This variant has not been reported in the literature in individuals affected with ALDH6A1-related conditions. This sequence change affects an acceptor splice site in intron 3 of the ALDH6A1 gene. It is expected to disrupt RNA splicing. Variants that disrupt the donor or acceptor splice site typically lead to a loss of protein function (PMID: 16199547), however the current clinical and genetic evidence is not sufficient to establish whether loss-of-function variants in ALDH6A1 cause disease. This variant is not present in population databases (gnomAD no frequency). Algorithms developed to predict the effect of sequence changes on RNA splicing suggest that this variant may disrupt the consensus splice site. In summary, the available evidence is currently insufficient to determine the role of this variant in disease. Therefore, it has been classified as a Variant of Uncertain Significance.

Literature cited by the submitters: PubMed 16199547.